The following is an entry in ClinVar:

ClinVar aggregate classification (germline): Uncertain significance. Review status: criteria provided, multiple submitters, no conflicts (2 of 4 stars). 2 submissions from 2 submitters: Uncertain significance (2). Last evaluated 2025-08-03.

Conditions:
Inborn genetic diseases. Identifiers: MedGen C0950123, MeSH D030342.
Generalized pustular psoriasis. Identifiers: Orphanet 247353, MedGen C0343055, MONDO:0100491.

gnomAD v4.1: 5 of 1,614,088 alleles (0.00031%); highest among the groups gnomAD compares: Admixed American, 0.0083%; no homozygotes.

Submissions (2):

Ambry Genetics
Classification: Uncertain significance for Inborn genetic diseases. Last evaluated: 2025-08-03. Review status: criteria provided, single submitter. Criteria: Ambry Variant Classification Scheme 2023. Collection method: clinical testing. Allele origin: germline.

Labcorp Genetics (formerly Invitae), Labcorp
Classification: Uncertain significance for Generalized pustular psoriasis. Last evaluated: 2022-07-27. Review status: criteria provided, single submitter. Criteria: Invitae Variant Classification Sherloc (09022015). Collection method: clinical testing. Allele origin: germline.
Comment: In summary, the available evidence is currently insufficient to determine the role of this variant in disease. Therefore, it has been classified as a Variant of Uncertain Significance. Algorithms developed to predict the effect of missense changes on protein structure and function are either unavailable or do not agree on the potential impact of this missense change (SIFT: "Tolerated"; PolyPhen-2: "Possibly Damaging"; Align-GVGD: "Class C0"). This variant has not been reported in the literature in individuals affected with IL36RN-related conditions. This variant is present in population databases (no rsID available, gnomAD 0.01%). This sequence change replaces valine, which is neutral and non-polar, with leucine, which is neutral and non-polar, at codon 44 of the IL36RN protein (p.Val44Leu).

NM_012275.3(IL36RN):c.130G>T (p.Val44Leu)

Gene: IL36RN (interleukin 36 receptor antagonist; plus strand). Cytogenetic location: 2q14.1.
Variant type: single nucleotide variant.
Coding change: c.130G>T on transcript NM_012275.3 (MANE Select); coding-DNA position 130, G replaced by T.
Protein change: p.Val44Leu; replaces valine 44 with leucine.
Molecular consequence: missense variant.
Genome position (GRCh38, 1-based): chr2:113,062,138, G>T. VCF-style: chr2-113062138-G-T. GRCh37 (hg19) VCF-style: chr2-113819715-G-T.
Other names: c.130G>T, p.Val44Leu (NM_173170.1); short protein forms V44L.
Identifiers: ClinVar variation 2199870 (VCV002199870.3), dbSNP rs776622427, ClinGen allele CA53688378.